The following is an entry in ClinVar:

NM_000548.5(TSC2):c.4716G>C (p.Thr1572=)

Gene: TSC2 (TSC complex subunit 2; plus strand). Cytogenetic location: 16p13.3.
Variant type: single nucleotide variant.
Coding change: c.4716G>C on transcript NM_000548.5 (MANE Select); coding-DNA position 4716, G replaced by C.
Protein change: p.Thr1572=; no amino-acid change (threonine 1572 retained).
Molecular consequence: synonymous variant.
Genome position (GRCh38, 1-based): chr16:2,086,246, G>C. VCF-style: chr16-2086246-G-C. GRCh37 (hg19) VCF-style: chr16-2136247-G-C.
Other names: c.4515G>C, p.Thr1505= (NM_001077183.3); c.4647G>C, p.Thr1549= (NM_001114382.3); c.4407G>C, p.Thr1469= (NM_001318827.2); c.4371G>C, p.Thr1457= (NM_001318829.2); c.3984G>C, p.Thr1328= (NM_001318831.2); c.4548G>C, p.Thr1516= (NM_001318832.2); c.4518G>C, p.Thr1506= (NM_001363528.2); c.4584G>C, p.Thr1528= (NM_001370404.1); and 2 more.
Identifiers: ClinVar variation 238059 (VCV000238059.23), dbSNP rs369346726, ClinGen allele CA052338.

ClinVar aggregate classification (germline): Benign/Likely benign. Review status: criteria provided, multiple submitters, no conflicts (2 of 4 stars). 7 submissions from 7 submitters: Benign (3); Likely benign (3). 1 of the submissions does not count toward it. Last evaluated 2026-01-20.

Conditions:
TSC2-related disorder. Also called: TSC2-Related Disorders; TSC2-related condition.
Hereditary cancer-predisposing syndrome. Also called: Tumor predisposition; Hereditary Cancer Syndrome; Hereditary neoplastic syndrome; Neoplastic Syndromes, Hereditary. Identifiers: Orphanet 140162, MedGen C0027672, MeSH D009386, MONDO:0015356.
Tuberous sclerosis 2 (TSC2). Identifiers: Orphanet 805, MedGen C1860707, MONDO:0013199, OMIM 613254.

Allele frequency attached by ClinVar (database versions not stated): TOPMed 0.00004; ESP Exome Variant Server 0.00008; 1000 Genomes Project 30x 0.00016; 1000 Genomes Project 0.00020.

Submissions (7):

Labcorp Genetics (formerly Invitae), Labcorp
Classification: Benign for Tuberous sclerosis 2. Last evaluated: 2026-01-20. Review status: criteria provided, single submitter. Criteria: Invitae Variant Classification Sherloc (09022015). Collection method: clinical testing. Allele origin: germline.

Myriad Genetics, Inc.
Classification: Benign for Tuberous sclerosis 2. Last evaluated: 2025-06-04. Review status: criteria provided, single submitter. Criteria: Myriad Autosomal Dominant, Autosomal Recessive and X-Linked Classification Criteria (2023). Collection method: clinical testing. Allele origin: unknown.
Comment: This variant is considered benign. This variant is a silent/synonymous amino acid change and it is not expected to impact splicing.

Genome-Nilou Lab
Classification: Benign for Tuberous sclerosis 2. Last evaluated: 2021-11-07. Review status: criteria provided, single submitter. Criteria: ACMG Guidelines, 2015. Collection method: clinical testing. Allele origin: germline. Affected: no.

Sema4
Classification: Likely benign for Hereditary cancer-predisposing syndrome. Last evaluated: 2021-09-28. Review status: criteria provided, single submitter. Criteria: Sema4 Curation Guidelines. Collection method: curation. Allele origin: germline.

GeneDx
Classification: Likely benign. Last evaluated: 2019-11-15. Review status: criteria provided, single submitter. Criteria: GeneDx Variant Classification Process June 2021. Collection method: clinical testing. Allele origin: germline. Affected: yes.

Ambry Genetics
Classification: Likely benign for Hereditary cancer-predisposing syndrome. Last evaluated: 2017-01-03. Review status: criteria provided, single submitter. Criteria: Ambry Variant Classification Scheme 2023. Collection method: clinical testing. Allele origin: germline.

PreventionGenetics, part of Exact Sciences
Classification: Likely benign for TSC2-related condition. Last evaluated: 2022-02-10. Review status: no assertion criteria provided. Collection method: clinical testing. Allele origin: germline. Not counted in ClinVar's aggregate classification.
Comment: This variant is classified as likely benign based on ACMG/AMP sequence variant interpretation guidelines (Richards et al. 2015 PMID: 25741868, with internal and published modifications).